The following is an entry in ClinVar:

NM_000384.3(APOB):c.8922G>T (p.Leu2974Phe)

Gene: APOB (apolipoprotein B; minus strand). Cytogenetic location: 2p24.1.
Variant type: single nucleotide variant.
Coding change: c.8922G>T on transcript NM_000384.3 (MANE Select); coding-DNA position 8922, G replaced by T.
Protein change: p.Leu2974Phe; replaces leucine 2974 with phenylalanine.
Molecular consequence: missense variant.
Genome position (GRCh38, 1-based): chr2:21,007,946, C>A on the plus strand (G>T on the coding strand, the complement: APOB is on the minus strand). VCF-style: chr2-21007946-C-A. GRCh37 (hg19) VCF-style: chr2-21230818-C-A.
Other names: short protein forms L2974F.
Identifiers: ClinVar variation 2922984 (VCV002922984.3), dbSNP rs2465364595, ClinGen allele CA345992947.

ClinVar aggregate classification (germline): Uncertain significance (1 of 4 stars; one submission).

Conditions:
Hypercholesterolemia, autosomal dominant, type B (FHCL2). Also called: APOB-Related Familial Hypercholesterolemia, Autosomal Dominant; Familial Hypercholesterolemia Type B; APOLIPOPROTEIN B-100, FAMILIAL DEFECTIVE; APOLIPOPROTEIN B-100, FAMILIAL LIGAND-DEFECTIVE; HYPERCHOLESTEROLEMIA, FAMILIAL, DUE TO LIGAND-DEFECTIVE APOLIPOPROTEIN B; Hyperlipoproteinemia Type IIb. Identifiers: MedGen C1704417, MONDO:0007751, OMIM 144010.
Familial hypobetalipoproteinemia 1. Also called: Hypobetalipoproteinemia, normotriglyceridemic; Acanthocytosis with hypobetalipoproteinemia; APOB-Related Familial Hypobetalipoproteinemia. Identifiers: MedGen C4551990, MONDO:0014252, OMIM 615558.

Allele frequency attached by ClinVar (database versions not stated): gnomAD exomes 0.00001.
gnomAD v4.1: 9 of 1,613,980 alleles (0.00056%); highest among the groups gnomAD compares: Non-Finnish European, 0.00076%; no homozygotes.

Submission:

Labcorp Genetics (formerly Invitae), Labcorp
Classification: Uncertain significance for Familial hypobetalipoproteinemia 1; Hypercholesterolemia, autosomal dominant, type B. Last evaluated: 2023-09-08. Review status: criteria provided, single submitter. Criteria: Invitae Variant Classification Sherloc (09022015). Collection method: clinical testing. Allele origin: germline.
Comment: In summary, the available evidence is currently insufficient to determine the role of this variant in disease. Therefore, it has been classified as a Variant of Uncertain Significance. Advanced modeling of protein sequence and biophysical properties (such as structural, functional, and spatial information, amino acid conservation, physicochemical variation, residue mobility, and thermodynamic stability) performed at Invitae indicates that this missense variant is not expected to disrupt APOB protein function. This sequence change replaces leucine, which is neutral and non-polar, with phenylalanine, which is neutral and non-polar, at codon 2974 of the APOB protein (p.Leu2974Phe). This variant is not present in population databases (gnomAD no frequency). This variant has not been reported in the literature in individuals affected with APOB-related conditions.